The following is an entry in ClinVar:

NM_001199198.3(TBC1D23):c.667C>T (p.Gln223Ter)

Gene: TBC1D23 (TBC1 domain family member 23; plus strand). Cytogenetic location: 3q12.1.
Variant type: single nucleotide variant.
Coding change: c.667C>T on transcript NM_001199198.3 (MANE Select); coding-DNA position 667, C replaced by T.
Protein change: p.Gln223Ter; replaces glutamine 223 with a stop codon.
Molecular consequence: nonsense.
Genome position (GRCh38, 1-based): chr3:100,295,153, C>T. VCF-style: chr3-100295153-C-T. GRCh37 (hg19) VCF-style: chr3-100013997-C-T.
Other names: c.667C>T, p.Gln223Ter (NM_018309.5); short protein forms Q223*.
Identifiers: ClinVar variation 4845334 (VCV004845334.2).

ClinVar aggregate classification (germline): Pathogenic (1 of 4 stars; one submission).

Conditions:
Pontocerebellar hypoplasia, type 11. Identifiers: Orphanet 611247, MedGen C4540164, MONDO:0054669, OMIM 617695.

Submission:

Victorian Clinical Genetics Services, Murdoch Childrens Research Institute
Classification: Pathogenic for Pontocerebellar hypoplasia, type 11. Last evaluated: 2026-03-03. Review status: criteria provided, single submitter. Criteria: ACMG Guidelines, 2015. Collection method: clinical testing. Allele origin: germline. Affected: no.
Comment: This variant is classified as Pathogenic. Evidence in support of pathogenic classification: Variant is predicted to cause nonsense-mediated decay (NMD) and loss of protein (premature termination codon is located at least 54 nucleotides upstream of the final exon-exon junction); Variant is absent from gnomAD (v2, v3 and v4); Other NMD-predicted variants comparable to the one identified in this case have very strong previous evidence for pathogenicity (DECIPHER). Additional information: This variant is heterozygous; This gene is associated with autosomal recessive disease; This variant has no previous evidence of pathogenicity; No published evidence of segregation with disease has been identified for this variant; No published functional evidence has been identified for this variant; Loss of function is a known mechanism of disease in this gene and is associated with pontocerebellar hypoplasia, type 11 (MIM#617695) - Inheritance information for this variant is not currently available in this individual.